The following is an entry in ClinVar:

NM_015404.4(WHRN):c.1135C>T (p.Arg379Trp)

Gene: WHRN (whirlin; minus strand). Cytogenetic location: 9q32.
Variant type: single nucleotide variant.
Coding change: c.1135C>T on transcript NM_015404.4 (MANE Select); coding-DNA position 1135, C replaced by T.
Protein change: p.Arg379Trp; replaces arginine 379 with tryptophan.
Molecular consequence: missense variant. On other transcripts: 5 prime UTR variant (1).
Genome position (GRCh38, 1-based): chr9:114,426,242, G>A on the plus strand (C>T on the coding strand, the complement: WHRN is on the minus strand). VCF-style: chr9-114426242-G-A. GRCh37 (hg19) VCF-style: chr9-117188522-G-A.
Other names: c.-15C>T (NM_001083885.3); c.1135C>T, p.Arg379Trp (NM_001173425.2); short protein forms R379W.
Identifiers: ClinVar variation 45641 (VCV000045641.51), dbSNP rs56059137, ClinGen allele CA136858.

ClinVar aggregate classification (germline): Conflicting classifications of pathogenicity. Review status: criteria provided, conflicting classifications (1 of 4 stars). 10 submissions from 9 submitters: Uncertain significance (2); Likely benign (6). 2 of the submissions do not count toward it. Last evaluated 2026-01-26.

Conditions:
Autosomal recessive nonsyndromic hearing loss 31. Also called: WHIRLER, MOUSE, HOMOLOG OF. Identifiers: Orphanet 90636, MedGen C1846839, MONDO:0011767, OMIM 607084.
Usher syndrome type 2D. Also called: USHER SYNDROME, TYPE IID. Identifiers: Orphanet 231178, Orphanet 886, MedGen C1568249, MONDO:0012662, OMIM 611383.

Allele frequency attached by ClinVar (database versions not stated): ESP Exome Variant Server 0.00046; ExAC 0.00059; TOPMed 0.00061; gnomAD exomes 0.00064; gnomAD 0.00083; 1000 Genomes Project 30x 0.00156; 1000 Genomes Project 0.00180.
gnomAD v4.1: 997 of 1,612,550 alleles (0.062%); highest among the groups gnomAD compares: East Asian, 0.46%; 3 homozygotes.

Submissions (10):

Labcorp Genetics (formerly Invitae), Labcorp
Classification: Likely benign. Last evaluated: 2026-01-26. Review status: criteria provided, single submitter. Criteria: Invitae Variant Classification Sherloc (09022015). Collection method: clinical testing. Allele origin: germline.

CeGaT Center for Human Genetics Tuebingen
Classification: Likely benign. Last evaluated: 2025-09-01. Review status: criteria provided, single submitter. Criteria: CeGaT Center For Human Genetics Tuebingen Variant Classification Criteria Version 2. Collection method: clinical testing. Allele origin: germline. Affected: yes. Observed: 3 variant alleles.
Comment: WHRN: BP4, BS1

Blueprint Genetics
Classification: Likely benign. Last evaluated: 2024-11-18. Review status: criteria provided, single submitter. Criteria: ACMG Guidelines, 2015. Collection method: clinical testing. Allele origin: germline.

GeneDx
Classification: Likely benign. Last evaluated: 2020-11-05. Review status: criteria provided, single submitter. Criteria: GeneDx Variant Classification Process June 2021. Collection method: clinical testing. Allele origin: germline. Affected: yes.
Comment: This variant is associated with the following publications: (PMID: 30245029, 21569298, 25262649, 25468891)

Athena Diagnostics
Classification: Likely benign. Last evaluated: 2019-05-20. Review status: criteria provided, single submitter. Criteria: Athena Diagnostics Criteria. Collection method: clinical testing. Allele origin: germline.

Illumina Laboratory Services, Illumina
Classification: Uncertain significance for Usher syndrome type 2D. Last evaluated: 2017-07-20. Review status: criteria provided, single submitter. Criteria: ICSL Variant Classification Criteria 13 December 2019. Collection method: clinical testing. Allele origin: germline.
Comment: This variant was observed as part of a predisposition screen in an ostensibly healthy population. A literature search was performed for the gene, cDNA change, and amino acid change (where applicable). Publications were found based on this search. However, the evidence from the literature, in combination with allele frequency data from public databases where available, was not sufficient to rule this variant in or out of causing disease. Therefore, this variant is classified as a variant of unknown significance.

Illumina Laboratory Services, Illumina
Classification: Uncertain significance for Autosomal recessive nonsyndromic hearing loss 31. Last evaluated: 2017-07-20. Review status: criteria provided, single submitter. Criteria: ICSL Variant Classification Criteria 13 December 2019. Collection method: clinical testing. Allele origin: germline.

Laboratory for Molecular Medicine, Mass General Brigham Personalized Medicine
Classification: Likely benign. Last evaluated: 2013-11-19. Review status: criteria provided, single submitter. Criteria: LMM Criteria. Collection method: clinical testing. Allele origin: germline. Observed: 3 variant alleles.
Comment: Arg376Trp in Exon 4 of DFNB31: This variant is not expected to have clinical sig nificance because it has been identified in 1.2% (7/572) of Asian chromosomes by the 1000 Genomes Project (dbSNP rs56059137), and in 0.07% (6/8600) of European American chromosomes in a broad population by the NHLBI Exome Sequencing Project. This variant has been reported in one indiv idual with Usher syndrome Type 3; however, this individual did not have a second variant in the DFNB31 gene (Bonnet 2011). In summary, this variant is classifi ed as likely benign based on the frequency data.

Clinical Genetics DNA and cytogenetics Diagnostics Lab, Erasmus MC, Erasmus Medical Center
Classification: Uncertain significance. Review status: no assertion criteria provided. Collection method: clinical testing. Allele origin: germline. Affected: yes. Study: VKGL Data-share Consensus. Not counted in ClinVar's aggregate classification.

Joint Genome Diagnostic Labs from Nijmegen and Maastricht, Radboudumc and MUMC+
Classification: Uncertain significance. Review status: no assertion criteria provided. Collection method: clinical testing. Allele origin: germline. Affected: yes. Study: VKGL Data-share Consensus. Not counted in ClinVar's aggregate classification.

Literature cited by the submitters: PubMed 21569298 (cited by 3 submitters); PubMed 25262649 (cited by Athena Diagnostics and Illumina Laboratory Services, Illumina); PubMed 25468891 (cited by Athena Diagnostics and Illumina Laboratory Services, Illumina); PubMed 30245029 (cited by Athena Diagnostics).